The following is an entry in ClinVar:

ClinVar aggregate classification (germline): Uncertain significance (1 of 4 stars; one submission).

Conditions:
Epilepsy. Also called: Seizure disorder. Identifiers: MedGen C0014544, MeSH D004827, MONDO:0005027.

Allele frequency attached by ClinVar (database versions not stated): gnomAD exomes below 0.00001; ExAC 0.00005.
gnomAD v4.1: 2 of 1,549,390 alleles (0.00013%); highest among the groups gnomAD compares: South Asian, 0.0024%; no homozygotes.

Submission:

Labcorp Genetics (formerly Invitae), Labcorp
Classification: Uncertain significance for Epilepsy. Last evaluated: 2023-10-13. Review status: criteria provided, single submitter. Criteria: Invitae Variant Classification Sherloc (09022015). Collection method: clinical testing. Allele origin: germline.
Comment: This sequence change affects codon 284 of the PIGQ mRNA. It is a 'silent' change, meaning that it does not change the encoded amino acid sequence of the PIGQ protein. The frequency data for this variant in the population databases is considered unreliable, as metrics indicate poor data quality at this position in the gnomAD database. This variant has not been reported in the literature in individuals affected with PIGQ-related conditions. ClinVar contains an entry for this variant (Variation ID: 2008989). Algorithms developed to predict the effect of sequence changes on RNA splicing suggest that this variant may create or strengthen a splice site. In summary, the available evidence is currently insufficient to determine the role of this variant in disease. Therefore, it has been classified as a Variant of Uncertain Significance.

NM_004204.5(PIGQ):c.852G>A (p.Leu284=)

Gene: PIGQ (phosphatidylinositol glycan anchor biosynthesis class Q; plus strand). Cytogenetic location: 16p13.3.
Variant type: single nucleotide variant.
Coding change: c.852G>A on transcript NM_004204.5 (MANE Select); coding-DNA position 852, G replaced by A.
Protein change: p.Leu284=; no amino-acid change (leucine 284 retained).
Molecular consequence: synonymous variant.
Genome position (GRCh38, 1-based): chr16:576,164, G>A. VCF-style: chr16-576164-G-A. GRCh37 (hg19) VCF-style: chr16-626164-G-A.
Other names: c.852G>A, p.Leu284= (NM_148920.4).
Identifiers: ClinVar variation 2008989 (VCV002008989.4), dbSNP rs776506046, ClinGen allele CA7780010.